The following is an entry in ClinVar:

ClinVar aggregate classification (germline): Uncertain significance. Review status: criteria provided, multiple submitters, no conflicts (2 of 4 stars). 2 submissions from 2 submitters: Uncertain significance (2). Last evaluated 2018-07-31.

Conditions:
Inborn genetic diseases. Identifiers: MedGen C0950123, MeSH D030342.

Submissions (2):

Labcorp Genetics (formerly Invitae), Labcorp
Classification: Uncertain significance. Last evaluated: 2018-07-31. Review status: criteria provided, single submitter. Criteria: Invitae Variant Classification Sherloc (09022015). Collection method: clinical testing. Allele origin: germline.
Comment: In summary, the available evidence is currently insufficient to determine the role of this variant in disease. Therefore, it has been classified as a Variant of Uncertain Significance. Algorithms developed to predict the effect of missense changes on protein structure and function (SIFT, PolyPhen-2, Align-GVGD) all suggest that this variant is likely to be tolerated, but these predictions have not been confirmed by published functional studies and their clinical significance is uncertain. This variant has not been reported in the literature in individuals with NSD1-related disease. This variant is not present in population databases (ExAC no frequency). This sequence change replaces isoleucine with valine at codon 1253 of the NSD1 protein (p.Ile1253Val). The isoleucine residue is weakly conserved and there is a small physicochemical difference between isoleucine and valine.

Ambry Genetics
Classification: Uncertain significance for Inborn genetic diseases. Last evaluated: 2018-06-20. Review status: criteria provided, single submitter. Criteria: Ambry Variant Classification Scheme 2023. Collection method: clinical testing. Allele origin: germline.
Comment: The p.I1253V variant (also known as c.3757A>G), located in coding exon 4 of the NSD1 gene, results from an A to G substitution at nucleotide position 3757. The isoleucine at codon 1253 is replaced by valine, an amino acid with highly similar properties. This amino acid position is highly conserved in available vertebrate species. In addition, the in silico prediction for this alteration is inconclusive. Since supporting evidence is limited at this time, the clinical significance of this alteration remains unclear.

NM_022455.5(NSD1):c.3757A>G (p.Ile1253Val)

Gene: NSD1 (nuclear receptor binding SET domain protein 1; plus strand). Cytogenetic location: 5q35.3.
Variant type: single nucleotide variant.
Coding change: c.3757A>G on transcript NM_022455.5 (MANE Select); coding-DNA position 3757, A replaced by G.
Protein change: p.Ile1253Val; replaces isoleucine 1253 with valine.
Molecular consequence: missense variant.
Genome position (GRCh38, 1-based): chr5:177,212,156, A>G. VCF-style: chr5-177212156-A-G. GRCh37 (hg19) VCF-style: chr5-176639157-A-G.
Other names: c.2884A>G, p.Ile962Val (NM_001365684.2, NM_001409306.1, NM_001409307.1 and 3 more transcripts); c.3757A>G, p.Ile1253Val (NM_001409301.1, NM_001409302.1, NM_001409303.1); c.3337A>G, p.Ile1113Val (NM_001409304.1); c.3004A>G, p.Ile1002Val (NM_001409305.1); short protein forms I984V, I1253V, I1113V, I1002V, I962V.
Identifiers: ClinVar variation 651437 (VCV000651437.11), dbSNP rs1581327291, ClinGen allele CA362327806.